The following is an entry in ClinVar:

NM_172364.5(CACNA2D4):c.2608C>T (p.Arg870Trp)

Gene: CACNA2D4 (calcium voltage-gated channel auxiliary subunit alpha2delta 4; minus strand). Cytogenetic location: 12p13.33.
Variant type: single nucleotide variant.
Coding change: c.2608C>T on transcript NM_172364.5 (MANE Select); coding-DNA position 2608, C replaced by T.
Protein change: p.Arg870Trp; replaces arginine 870 with tryptophan.
Molecular consequence: missense variant.
Genome position (GRCh38, 1-based): chr12:1,811,667, G>A on the plus strand (C>T on the coding strand, the complement: CACNA2D4 is on the minus strand). VCF-style: chr12-1811667-G-A. GRCh37 (hg19) VCF-style: chr12-1920833-G-A.
Other names: c.2608C>T (NM_172364.4); short protein forms R870W.
Identifiers: ClinVar variation 1021684 (VCV001021684.11), dbSNP rs778241147, ClinGen allele CA6386295.

ClinVar aggregate classification (germline): Uncertain significance. Review status: criteria provided, multiple submitters, no conflicts (2 of 4 stars). 2 submissions from 2 submitters: Uncertain significance (2). Last evaluated 2025-10-18.

Conditions:
Inborn genetic diseases. Identifiers: MedGen C0950123, MeSH D030342.

Allele frequency attached by ClinVar (database versions not stated): gnomAD exomes 0.00002; TOPMed 0.00003; ExAC 0.00004; gnomAD 0.00006 and 0.00008.
gnomAD v4.1: 23 of 1,559,282 alleles (0.0015%); highest among the groups gnomAD compares: African/African-American, 0.016%; no homozygotes.

Submissions (2):

Ambry Genetics
Classification: Uncertain significance for Inborn genetic diseases. Last evaluated: 2025-10-18. Review status: criteria provided, single submitter. Criteria: Ambry Variant Classification Scheme 2023. Collection method: clinical testing. Allele origin: germline.

Labcorp Genetics (formerly Invitae), Labcorp
Classification: Uncertain significance. Last evaluated: 2024-03-15. Review status: criteria provided, single submitter. Criteria: Invitae Variant Classification Sherloc (09022015). Collection method: clinical testing. Allele origin: germline.
Comment: This sequence change replaces arginine, which is basic and polar, with tryptophan, which is neutral and slightly polar, at codon 870 of the CACNA2D4 protein (p.Arg870Trp). The frequency data for this variant in the population databases is considered unreliable, as metrics indicate poor data quality at this position in the gnomAD database. This variant has not been reported in the literature in individuals affected with CACNA2D4-related conditions. ClinVar contains an entry for this variant (Variation ID: 1021684). An algorithm developed to predict the effect of missense changes on protein structure and function (PolyPhen-2) suggests that this variant is likely to be tolerated. In summary, the available evidence is currently insufficient to determine the role of this variant in disease. Therefore, it has been classified as a Variant of Uncertain Significance.